The following is an entry in ClinVar:

ClinVar aggregate classification (germline): Uncertain significance (1 of 4 stars; one submission).

Conditions:
Alazami-Yuan syndrome (ALYUS). Identifiers: Orphanet 694946, MedGen C4310702, MONDO:0014931, OMIM 617126.

gnomAD v4.1: 2 of 1,614,192 alleles (0.00012%); highest among the groups gnomAD compares: Non-Finnish European, 0.00017%; no homozygotes.

Submission:

Dasa
Classification: Uncertain significance for Alazami-Yuan syndrome. Last evaluated: 2025-06-06. Review status: criteria provided, single submitter. Criteria: DASA Assertion Criteria. Collection method: clinical testing. Allele origin: germline.
Comment: NM_139315.3(TAF6):c.88C>T (p.Gln30*) is a nonsense variant in TAF6 predicted to introduce a premature termination codon and is predicted to result in an absent or altered protein product. This variant is rare in population databases. The currently available literature and clinical evidence are not sufficient to establish a definitive association between this variant and the reported condition. Therefore, this variant is classified as a variant of uncertain significance.

NM_139315.3(TAF6):c.88C>T (p.Gln30Ter)

Gene: TAF6 (TATA-box binding protein associated factor 6; minus strand). Cytogenetic location: 7q22.1.
Variant type: single nucleotide variant.
Coding change: c.88C>T on transcript NM_139315.3 (MANE Select); coding-DNA position 88, C replaced by T.
Protein change: p.Gln30Ter; replaces glutamine 30 with a stop codon.
Molecular consequence: nonsense. On other transcripts: non-coding transcript variant (1).
Genome position (GRCh38, 1-based): chr7:100,114,122, G>A on the plus strand (C>T on the coding strand, the complement: TAF6 is on the minus strand). VCF-style: chr7-100114122-G-A. GRCh37 (hg19) VCF-style: chr7-99711745-G-A.
Other names: c.199C>T, p.Gln67Ter (NM_001190415.2); c.88C>T, p.Gln30Ter (NM_001364998.1, NM_001364999.1, NM_001365000.1 and 4 more transcripts); c.226C>T, p.Gln76Ter (NM_001365004.1); short protein forms Q30*, Q67*, Q76*.
Identifiers: ClinVar variation 4881335 (VCV004881335.2).